The following is an entry in ClinVar:

ClinVar aggregate classification (germline): Uncertain significance (1 of 4 stars; one submission).

Allele frequency attached by ClinVar (database versions not stated): gnomAD exomes below 0.00001; ExAC 0.00001; gnomAD 0.00001 and 0.00002; TOPMed 0.00001.
gnomAD v4.1: 3 of 1,554,234 alleles (0.00019%); highest among the groups gnomAD compares: African/African-American, 0.0041%; no homozygotes.

Submission:

Labcorp Genetics (formerly Invitae), Labcorp
Classification: Uncertain significance. Last evaluated: 2023-07-17. Review status: criteria provided, single submitter. Criteria: Invitae Variant Classification Sherloc (09022015). Collection method: clinical testing. Allele origin: germline.
Comment: In summary, the available evidence is currently insufficient to determine the role of this variant in disease. Therefore, it has been classified as a Variant of Uncertain Significance. Variants that disrupt the consensus splice site are a relatively common cause of aberrant splicing (PMID: 17576681, 9536098). Algorithms developed to predict the effect of sequence changes on RNA splicing suggest that this variant is not likely to affect RNA splicing. ClinVar contains an entry for this variant (Variation ID: 1025886). This variant has not been reported in the literature in individuals affected with PDE6B-related conditions. This variant is present in population databases (rs759541024, gnomAD 0.007%). This sequence change falls in intron 3 of the PDE6B gene. It does not directly change the encoded amino acid sequence of the PDE6B protein. It affects a nucleotide within the consensus splice site.

Literature cited by the submitters: PubMed 17576681; PubMed 9536098.

NM_000283.4(PDE6B):c.711+6C>G

Gene: PDE6B (phosphodiesterase 6B; plus strand). Cytogenetic location: 4p16.3.
Variant type: single nucleotide variant.
Coding change: c.711+6C>G on transcript NM_000283.4 (MANE Select); 6 bases into the intron after coding-DNA position 711, C replaced by G.
Molecular consequence: intron variant.
Genome position (GRCh38, 1-based): chr4:635,975, C>G. VCF-style: chr4-635975-C-G. GRCh37 (hg19) VCF-style: chr4-629764-C-G.
Other names: c.711+6C>G (NM_001145291.2).
Identifiers: ClinVar variation 1025886 (VCV001025886.8), dbSNP rs759541024, ClinGen allele CA2794070.